The following is an entry in ClinVar:

ClinVar aggregate classification (germline): Uncertain significance (1 of 4 stars; one submission).

Submission:

Labcorp Genetics (formerly Invitae), Labcorp
Classification: Uncertain significance. Last evaluated: 2025-01-06. Review status: criteria provided, single submitter. Criteria: Invitae Variant Classification Sherloc (09022015). Collection method: clinical testing. Allele origin: germline.
Comment: This sequence change replaces glutamine, which is neutral and polar, with leucine, which is neutral and non-polar, at codon 1335 of the POLE protein (p.Gln1335Leu). This variant is not present in population databases (gnomAD no frequency). This variant has not been reported in the literature in individuals affected with POLE-related conditions. An algorithm developed to predict the effect of missense changes on protein structure and function (PolyPhen-2) suggests that this variant is likely to be disruptive. RNA analysis performed to evaluate the impact of this missense change on mRNA splicing indicates it does not significantly alter splicing (internal data). In summary, the available evidence is currently insufficient to determine the role of this variant in disease. Therefore, it has been classified as a Variant of Uncertain Significance.

NM_006231.4(POLE):c.4004A>T (p.Gln1335Leu)

Gene: POLE (DNA polymerase epsilon, catalytic subunit; minus strand). Cytogenetic location: 12q24.33.
Variant type: single nucleotide variant.
Coding change: c.4004A>T on transcript NM_006231.4 (MANE Select); coding-DNA position 4004, A replaced by T.
Protein change: p.Gln1335Leu; replaces glutamine 1335 with leucine.
Molecular consequence: missense variant.
Genome position (GRCh38, 1-based): chr12:132,649,307, T>A on the plus strand (A>T on the coding strand, the complement: POLE is on the minus strand). VCF-style: chr12-132649307-T-A. GRCh37 (hg19) VCF-style: chr12-133225893-T-A.
Other names: short protein forms Q1335L.
Identifiers: ClinVar variation 3728522 (VCV003728522.2).